The following is an entry in ClinVar:

NM_030962.4(SBF2):c.4709C>G (p.Pro1570Arg)

Genes: SBF2 (SET binding factor 2; minus strand), SBF2-AS1 (SBF2 antisense RNA 1; plus strand), LOC105369149 (uncharacterized LOC105369149; plus strand). Cytogenetic location: 11p15.4.
Variant type: single nucleotide variant.
Coding change: c.4709C>G on transcript NM_030962.4 (MANE Select); coding-DNA position 4709, C replaced by G.
Protein change: p.Pro1570Arg; replaces proline 1570 with arginine.
Molecular consequence: missense variant.
Genome position (GRCh38, 1-based): chr11:9,789,332, G>C on the plus strand (C>G on the coding strand, the complement: SBF2 is on the minus strand). VCF-style: chr11-9789332-G-C. GRCh37 (hg19) VCF-style: chr11-9810879-G-C.
Other names: c.4805C>G, p.Pro1602Arg (NM_001386339.1); c.4580C>G, p.Pro1527Arg (NM_001386342.1); short protein forms P1570R, P1602R, P1527R.
Identifiers: ClinVar variation 2004145 (VCV002004145.4), dbSNP rs1242394696, ClinGen allele CA379634518.

ClinVar aggregate classification (germline): Uncertain significance (1 of 4 stars; one submission).

Conditions:
Charcot-Marie-Tooth disease type 4. Also called: Charcot-Marie-Tooth, Type 4; Charcot-Marie-Tooth disease, type IV. Identifiers: Orphanet 64749, MedGen C4082197, MONDO:0018995.

Submission:

Labcorp Genetics (formerly Invitae), Labcorp
Classification: Uncertain significance for Charcot-Marie-Tooth disease type 4. Last evaluated: 2022-06-10. Review status: criteria provided, single submitter. Criteria: Invitae Variant Classification Sherloc (09022015). Collection method: clinical testing. Allele origin: germline.
Comment: This variant is not present in population databases (gnomAD no frequency). In summary, the available evidence is currently insufficient to determine the role of this variant in disease. Therefore, it has been classified as a Variant of Uncertain Significance. Algorithms developed to predict the effect of missense changes on protein structure and function are either unavailable or do not agree on the potential impact of this missense change (SIFT: "Deleterious"; PolyPhen-2: "Probably Damaging"; Align-GVGD: "Class C0"). This variant has not been reported in the literature in individuals affected with SBF2-related conditions. This sequence change replaces proline, which is neutral and non-polar, with arginine, which is basic and polar, at codon 1570 of the SBF2 protein (p.Pro1570Arg).